The following is an entry in ClinVar:

ClinVar aggregate classification (germline): Uncertain significance. Review status: criteria provided, multiple submitters, no conflicts (2 of 4 stars). 2 submissions from 2 submitters: Uncertain significance (2). Last evaluated 2025-01-19.

Allele frequency attached by ClinVar (database versions not stated): gnomAD exomes 0.00001; TOPMed 0.00001; ExAC 0.00002; gnomAD 0.00002.
gnomAD v4.1: 13 of 1,612,470 alleles (0.00081%); highest among the groups gnomAD compares: East Asian, 0.027%; no homozygotes.

Submissions (2):

Labcorp Genetics (formerly Invitae), Labcorp
Classification: Uncertain significance. Last evaluated: 2025-01-19. Review status: criteria provided, single submitter. Criteria: Invitae Variant Classification Sherloc (09022015). Collection method: clinical testing. Allele origin: germline.
Comment: This sequence change replaces leucine, which is neutral and non-polar, with valine, which is neutral and non-polar, at codon 148 of the SLC25A32 protein (p.Leu148Val). This variant is present in population databases (rs752496863, gnomAD 0.04%). This variant has not been reported in the literature in individuals affected with SLC25A32-related conditions. ClinVar contains an entry for this variant (Variation ID: 1937372). Invitae Evidence Modeling of protein sequence and biophysical properties (such as structural, functional, and spatial information, amino acid conservation, physicochemical variation, residue mobility, and thermodynamic stability) indicates that this missense variant is not expected to disrupt SLC25A32 protein function with a negative predictive value of 80%. In summary, the available evidence is currently insufficient to determine the role of this variant in disease. Therefore, it has been classified as a Variant of Uncertain Significance.

Ambry Genetics
Classification: Uncertain significance. Last evaluated: 2023-06-07. Review status: criteria provided, single submitter. Criteria: Ambry Variant Classification Scheme 2023. Collection method: clinical testing. Allele origin: germline.

NM_030780.5(SLC25A32):c.442C>G (p.Leu148Val)

Gene: SLC25A32 (solute carrier family 25 member 32; minus strand). Cytogenetic location: 8q22.3.
Variant type: single nucleotide variant.
Coding change: c.442C>G on transcript NM_030780.5 (MANE Select); coding-DNA position 442, C replaced by G.
Protein change: p.Leu148Val; replaces leucine 148 with valine.
Molecular consequence: missense variant. On other transcripts: non-coding transcript variant (2).
Genome position (GRCh38, 1-based): chr8:103,403,274, G>C on the plus strand (C>G on the coding strand, the complement: SLC25A32 is on the minus strand). VCF-style: chr8-103403274-G-C. GRCh37 (hg19) VCF-style: chr8-104415502-G-C.
Other names: c.442C>G (NM_030780.3); short protein forms L148V.
Identifiers: ClinVar variation 1937372 (VCV001937372.7), dbSNP rs752496863, ClinGen allele CA4835469.
Genomic context (GRCh38, chr8:103,403,274, plus strand): 5'-CAAACATTCCTTTATATTGTCGGTGTGGGGAGTTAACAACAGCATCATACTGTAACATAA[G>C]GCGAGTTTTTGTTACCCATAATGGGTTTGTAATGCAGAGGGTCATGGCTCCTAAAATGAG-3'
Protein context (NP_110407.2, residues 138-158): TNPLWVTKTR[Leu148Val]MLQYDAVVNS